The following is an entry in ClinVar:

ClinVar aggregate classification (germline): Uncertain significance (1 of 4 stars; one submission).

gnomAD v4.1: 14 of 1,613,050 alleles (0.00087%); highest among the groups gnomAD compares: South Asian, 0.0033%; no homozygotes.

Submission:

Labcorp Genetics (formerly Invitae), Labcorp
Classification: Uncertain significance. Last evaluated: 2025-06-24. Review status: criteria provided, single submitter. Criteria: Invitae Variant Classification Sherloc (09022015). Collection method: clinical testing. Allele origin: germline.
Comment: This sequence change replaces asparagine, which is neutral and polar, with serine, which is neutral and polar, at codon 600 of the C7 protein (p.Asn600Ser). This variant is present in population databases (rs551275897, gnomAD 0.006%). This variant has not been reported in the literature in individuals affected with C7-related conditions. Invitae Evidence Modeling of protein sequence and biophysical properties (such as structural, functional, and spatial information, amino acid conservation, physicochemical variation, residue mobility, and thermodynamic stability) indicates that this missense variant is not expected to disrupt C7 protein function with a negative predictive value of 80%. In summary, the available evidence is currently insufficient to determine the role of this variant in disease. Therefore, it has been classified as a Variant of Uncertain Significance.

NM_000587.4(C7):c.1799A>G (p.Asn600Ser)

Gene: C7 (complement C7; plus strand). Cytogenetic location: 5p13.1.
Variant type: single nucleotide variant.
Coding change: c.1799A>G on transcript NM_000587.4 (MANE Select); coding-DNA position 1799, A replaced by G.
Protein change: p.Asn600Ser; replaces asparagine 600 with serine.
Molecular consequence: missense variant.
Genome position (GRCh38, 1-based): chr5:40,964,790, A>G. VCF-style: chr5-40964790-A-G. GRCh37 (hg19) VCF-style: chr5-40964892-A-G.
Other names: short protein forms N600S.
Identifiers: ClinVar variation 4781631 (VCV004781631.1).